The following is an entry in ClinVar:

ClinVar aggregate classification (germline): Uncertain significance (1 of 4 stars; one submission).

Conditions:
Hereditary cancer-predisposing syndrome. Also called: Hereditary Cancer Syndrome; Hereditary neoplastic syndrome; Neoplastic Syndromes, Hereditary; Tumor predisposition. Identifiers: Orphanet 140162, MedGen C0027672, MeSH D009386, MONDO:0015356.

Submission:

Ambry Genetics
Classification: Uncertain significance for Hereditary cancer-predisposing syndrome. Last evaluated: 2022-06-11. Review status: criteria provided, single submitter. Criteria: Ambry Variant Classification Scheme 2023. Collection method: clinical testing. Allele origin: germline.
Comment: The p.E1966V variant (also known as c.5897A>T), located in coding exon 43 of the POLE gene, results from an A to T substitution at nucleotide position 5897. The glutamic acid at codon 1966 is replaced by valine, an amino acid with dissimilar properties. This amino acid position is conserved. In addition, this alteration is predicted to be tolerated by in silico analysis. Since supporting evidence is limited at this time, the clinical significance of this alteration remains unclear.

NM_006231.4(POLE):c.5897A>T (p.Glu1966Val)

Gene: POLE (DNA polymerase epsilon, catalytic subunit; minus strand). Cytogenetic location: 12q24.33.
Variant type: single nucleotide variant.
Coding change: c.5897A>T on transcript NM_006231.4 (MANE Select); coding-DNA position 5897, A replaced by T.
Protein change: p.Glu1966Val; replaces glutamic acid 1966 with valine.
Molecular consequence: missense variant.
Genome position (GRCh38, 1-based): chr12:132,634,293, T>A on the plus strand (A>T on the coding strand, the complement: POLE is on the minus strand). VCF-style: chr12-132634293-T-A. GRCh37 (hg19) VCF-style: chr12-133210879-T-A.
Other names: short protein forms E1966V.
Identifiers: ClinVar variation 1750340 (VCV001750340.2), dbSNP rs2541860042, ClinGen allele CA387371640.